The following is an entry in ClinVar:

ClinVar aggregate classification (germline): Uncertain significance (1 of 4 stars; one submission).

Conditions:
Inborn genetic diseases. Identifiers: MedGen C0950123, MeSH D030342.

gnomAD v4.1: 1 of 1,612,558 alleles (0.000062%); highest among the groups gnomAD compares: Non-Finnish European, 0.000085%; no homozygotes.

Submission:

Ambry Genetics
Classification: Uncertain significance for Inborn genetic diseases. Last evaluated: 2025-01-03. Review status: criteria provided, single submitter. Criteria: Ambry Variant Classification Scheme 2023. Collection method: clinical testing. Allele origin: germline.
Comment: The p.P300S variant (also known as c.898C>T), located in coding exon 7 of the PAX5 gene, results from a C to T substitution at nucleotide position 898. The proline at codon 300 is replaced by serine, an amino acid with similar properties. This amino acid position is conserved. In addition, the in silico prediction for this alteration is inconclusive. Based on the available evidence, the clinical significance of this variant remains unclear.

NM_016734.3(PAX5):c.898C>T (p.Pro300Ser)

Gene: PAX5 (paired box 5; minus strand). Cytogenetic location: 9p13.2.
Variant type: single nucleotide variant.
Coding change: c.898C>T on transcript NM_016734.3 (MANE Select); coding-DNA position 898, C replaced by T.
Protein change: p.Pro300Ser; replaces proline 300 with serine.
Molecular consequence: missense variant. On other transcripts: intron variant (2).
Genome position (GRCh38, 1-based): chr9:36,923,367, G>A on the plus strand (C>T on the coding strand, the complement: PAX5 is on the minus strand). VCF-style: chr9-36923367-G-A. GRCh37 (hg19) VCF-style: chr9-36923364-G-A.
Other names: c.898C>T, p.Pro300Ser (NM_001280547.2, NM_001280548.2, NM_001280552.2); c.574C>T, p.Pro192Ser (NM_001280551.2, NM_001280556.2); c.769C>T, p.Pro257Ser (NM_001280553.2, NM_001280554.2); c.700C>T, p.Pro234Ser (NM_001280555.2); c.780+43182C>T (NM_001280550.2, NM_001280549.2); short protein forms P257S, P300S, P192S, P234S.
Identifiers: ClinVar variation 3885911 (VCV003885911.1).